The following is an entry in ClinVar:

NM_015346.4(ZFYVE26):c.5116G>A (p.Val1706Ile)

Gene: ZFYVE26 (zinc finger FYVE-type containing 26; minus strand). Cytogenetic location: 14q24.1.
Variant type: single nucleotide variant.
Coding change: c.5116G>A on transcript NM_015346.4 (MANE Select); coding-DNA position 5116, G replaced by A.
Protein change: p.Val1706Ile; replaces valine 1706 with isoleucine.
Molecular consequence: missense variant.
Genome position (GRCh38, 1-based): chr14:67,775,965, C>T on the plus strand (G>A on the coding strand, the complement: ZFYVE26 is on the minus strand). VCF-style: chr14-67775965-C-T. GRCh37 (hg19) VCF-style: chr14-68242682-C-T.
Other names: short protein forms V1706I.
Identifiers: ClinVar variation 1975889 (VCV001975889.5), dbSNP rs1376739805, ClinGen allele CA390168279.

ClinVar aggregate classification (germline): Uncertain significance (1 of 4 stars; one submission).

Conditions:
Spastic paraplegia. Identifiers: MedGen C0037772, HP:0001258.

Submission:

Labcorp Genetics (formerly Invitae), Labcorp
Classification: Uncertain significance for Spastic paraplegia. Last evaluated: 2022-04-06. Review status: criteria provided, single submitter. Criteria: Invitae Variant Classification Sherloc (09022015). Collection method: clinical testing. Allele origin: germline.
Comment: This sequence change replaces valine, which is neutral and non-polar, with isoleucine, which is neutral and non-polar, at codon 1706 of the ZFYVE26 protein (p.Val1706Ile). In summary, the available evidence is currently insufficient to determine the role of this variant in disease. Therefore, it has been classified as a Variant of Uncertain Significance. Algorithms developed to predict the effect of missense changes on protein structure and function (SIFT, PolyPhen-2, Align-GVGD) all suggest that this variant is likely to be tolerated. This variant has not been reported in the literature in individuals affected with ZFYVE26-related conditions. This variant is present in population databases (no rsID available, gnomAD 0.0009%).